The following is an entry in ClinVar:

ClinVar aggregate classification (germline): Conflicting classifications of pathogenicity. Review status: criteria provided, conflicting classifications (1 of 4 stars). 2 submissions from 2 submitters: Uncertain significance (1); Likely benign (1). Last evaluated 2025-09-17.

Conditions:
Nemaline myopathy 6 (NEM6). Also called: Nemaline myopathy 6, autosomal dominant. Identifiers: Orphanet 171439, MedGen C1836472, MONDO:0012237, OMIM 609273.

Submissions (2):

Labcorp Genetics (formerly Invitae), Labcorp
Classification: Likely benign for Nemaline myopathy 6. Last evaluated: 2025-09-17. Review status: criteria provided, single submitter. Criteria: Invitae Variant Classification Sherloc (09022015). Collection method: clinical testing. Allele origin: germline.

GeneDx
Classification: Uncertain significance. Last evaluated: 2019-01-16. Review status: criteria provided, single submitter. Criteria: GeneDx Variant Classification Process June 2021. Collection method: clinical testing. Allele origin: germline. Affected: yes.
Comment: Has not been previously published as pathogenic or benign to our knowledge; Frameshift variant predicted to result in protein truncation as the last 111 amino acids are lost and replaced with 93 incorrect amino acids, although loss-of-function variants have not been reported downstream of this position in the protein

NM_001101362.3(KBTBD13):c.1042del (p.Ala348fs)

Gene: KBTBD13 (kelch repeat and BTB domain containing 13; plus strand). Cytogenetic location: 15q22.31.
Variant type: Deletion.
Coding change: c.1042del on transcript NM_001101362.3 (MANE Select); coding-DNA position 1042, one base deleted (G; older notation c.1042delG).
Protein change: p.Ala348fs; shifts the reading frame from alanine 348.
Molecular consequence: frameshift variant.
Genome position (GRCh38, 1-based): chr15:65,077,857, G deleted; the last of 2 consecutive G bases (chr15:65,077,856-65,077,857); deleting either gives the same sequence. VCF-style (leftmost placement, unchanged base first): chr15-65077855-TG-T. GRCh37 (hg19) VCF-style: chr15-65370193-TG-T.
Other names: c.1042delG (NM_001101362.2); short protein forms A348fs.
Identifiers: ClinVar variation 566645 (VCV000566645.8), dbSNP rs760102500, ClinGen allele CA7614054.